The following is an entry in ClinVar:

NM_005228.5(EGFR):c.315G>C (p.Gln105His)

Gene: EGFR (epidermal growth factor receptor; plus strand). Cytogenetic location: 7p11.2.
Variant type: single nucleotide variant.
Coding change: c.315G>C on transcript NM_005228.5 (MANE Select); coding-DNA position 315, G replaced by C.
Protein change: p.Gln105His; replaces glutamine 105 with histidine.
Molecular consequence: missense variant. On other transcripts: intron variant (1).
Genome position (GRCh38, 1-based): chr7:55,143,379, G>C. VCF-style: chr7-55143379-G-C. GRCh37 (hg19) VCF-style: chr7-55211072-G-C.
Other names: c.315G>C, p.Gln105His (NM_001346897.2, NM_001346898.2, NM_001346899.2 and 3 more transcripts); c.156G>C, p.Gln52His (NM_001346900.2); c.89-12451G>C (NM_001346941.2); short protein forms Q52H, Q105H.
Identifiers: ClinVar variation 853037 (VCV000853037.8), dbSNP rs141271101, ClinGen allele CA4265179.
Genomic context (GRCh38, chr7:55,143,379, plus strand): 5'-GGCTGGTTATGTCCTCATTGCCCTCAACACAGTGGAGCGAATTCCTTTGGAAAACCTGCA[G>C]ATCATCAGAGGAAATATGTACTACGAAAATTCCTATGCCTTAGCAGTCTTATCTAACTAT-3'
Protein context (NP_005219.2, residues 95-115): TVERIPLENL[Gln105His]IIRGNMYYEN

ClinVar aggregate classification (germline): Uncertain significance. Review status: criteria provided, multiple submitters, no conflicts (2 of 4 stars). 2 submissions from 2 submitters: Uncertain significance (2). Last evaluated 2026-01-12.

Conditions:
EGFR-related lung cancer (EGFR). Identifiers: MedGen CN130014.
Hereditary cancer-predisposing syndrome. Also called: Neoplastic Syndromes, Hereditary; Hereditary Cancer Syndrome; Tumor predisposition; Hereditary neoplastic syndrome. Identifiers: Orphanet 140162, MedGen C0027672, MeSH D009386, MONDO:0015356.

gnomAD v4.1: 4 of 1,614,226 alleles (0.00025%); highest among the groups gnomAD compares: East Asian, 0.0089%; no homozygotes.

Submissions (2):

Labcorp Genetics (formerly Invitae), Labcorp
Classification: Uncertain significance for EGFR-related lung cancer. Last evaluated: 2026-01-12. Review status: criteria provided, single submitter. Criteria: Invitae Variant Classification Sherloc (09022015). Collection method: clinical testing. Allele origin: germline.
Comment: This sequence change replaces glutamine, which is neutral and polar, with histidine, which is basic and polar, at codon 105 of the EGFR protein (p.Gln105His). This variant is present in population databases (rs141271101, gnomAD 0.01%). This variant has not been reported in the literature in individuals affected with EGFR-related conditions. ClinVar contains an entry for this variant (Variation ID: 853037). Invitae Evidence Modeling of protein sequence and biophysical properties (such as structural, functional, and spatial information, amino acid conservation, physicochemical variation, residue mobility, and thermodynamic stability) indicates that this missense variant is not expected to disrupt EGFR protein function with a negative predictive value of 80%. In summary, the available evidence is currently insufficient to determine the role of this variant in disease. Therefore, it has been classified as a Variant of Uncertain Significance.

Ambry Genetics
Classification: Uncertain significance for Hereditary cancer-predisposing syndrome. Last evaluated: 2025-04-03. Review status: criteria provided, single submitter. Criteria: Ambry Variant Classification Scheme 2023. Collection method: clinical testing. Allele origin: germline.
Comment: The p.Q105H variant (also known as c.315G>C), located in coding exon 3 of the EGFR gene, results from a G to C substitution at nucleotide position 315. The glutamine at codon 105 is replaced by histidine, an amino acid with highly similar properties. This amino acid position is not well conserved in available vertebrate species. In addition, the in silico prediction for this alteration is inconclusive. Based on the available evidence, the clinical significance of this variant remains unclear.